The following is an entry in ClinVar:

NM_017875.4(SLC25A38):c.11A>G (p.Asn4Ser)

Genes: SLC25A38 (solute carrier family 25 member 38; plus strand), LOC129936510 (ATAC-STARR-seq lymphoblastoid active region 19704; plus strand). Cytogenetic location: 3p22.1.
Variant type: single nucleotide variant.
Coding change: c.11A>G on transcript NM_017875.4 (MANE Select); coding-DNA position 11, A replaced by G.
Protein change: p.Asn4Ser; replaces asparagine 4 with serine.
Molecular consequence: missense variant.
Genome position (GRCh38, 1-based): chr3:39,383,735, A>G. VCF-style: chr3-39383735-A-G. GRCh37 (hg19) VCF-style: chr3-39425226-A-G.
Other names: c.11A>G, p.Asn4Ser (NM_001354798.2); short protein forms N4S.
Identifiers: ClinVar variation 777964 (VCV000777964.42), dbSNP rs61995897, ClinGen allele CA2327307.

ClinVar aggregate classification (germline): Conflicting classifications of pathogenicity. Review status: criteria provided, conflicting classifications (1 of 4 stars). 5 submissions from 5 submitters: Uncertain significance (1); Likely benign (4). Last evaluated 2026-02-01.

Conditions:
Sideroblastic anemia 2. Also called: Anemia, sideroblastic, 2, pyridoxine-refractory. Identifiers: Orphanet 260305, MedGen C4225425, MONDO:0008785, OMIM 205950.

Allele frequency attached by ClinVar (database versions not stated): 1000 Genomes Project 30x 0.00016; 1000 Genomes Project 0.00020; TOPMed 0.00138; gnomAD exomes 0.00142 and 0.00187; gnomAD 0.00146 and 0.00151; ExAC 0.00148; ESP Exome Variant Server 0.00177.

Submissions (5):

Labcorp Genetics (formerly Invitae), Labcorp
Classification: Likely benign. Last evaluated: 2026-02-01. Review status: criteria provided, single submitter. Criteria: Invitae Variant Classification Sherloc (09022015). Collection method: clinical testing. Allele origin: germline.

CeGaT Center for Human Genetics Tuebingen
Classification: Likely benign. Last evaluated: 2025-09-01. Review status: criteria provided, single submitter. Criteria: CeGaT Center For Human Genetics Tuebingen Variant Classification Criteria Version 2. Collection method: clinical testing. Allele origin: germline. Affected: yes. Observed: 2 variant alleles.
Comment: SLC25A38: BP4

Blueprint Genetics
Classification: Likely benign. Last evaluated: 2024-11-04. Review status: criteria provided, single submitter. Criteria: ACMG Guidelines, 2015. Collection method: clinical testing. Allele origin: germline.

GeneDx
Classification: Likely benign. Last evaluated: 2024-09-25. Review status: criteria provided, single submitter. Criteria: GeneDx Variant Classification Process June 2021. Collection method: clinical testing. Allele origin: germline. Affected: yes.
Comment: See Variant Classification Assertion Criteria.

Illumina Laboratory Services, Illumina
Classification: Uncertain significance for Sideroblastic anemia 2. Last evaluated: 2018-01-13. Review status: criteria provided, single submitter. Criteria: ICSL Variant Classification Criteria 13 December 2019. Collection method: clinical testing. Allele origin: germline.